The following is an entry in ClinVar:

NM_001111125.3(IQSEC2):c.1133G>A (p.Arg378His)

Gene: IQSEC2 (IQ motif and Sec7 domain ArfGEF 2; minus strand). Cytogenetic location: Xp11.22.
Variant type: single nucleotide variant.
Coding change: c.1133G>A on transcript NM_001111125.3 (MANE Select); coding-DNA position 1133, G replaced by A.
Protein change: p.Arg378His; replaces arginine 378 with histidine.
Molecular consequence: missense variant.
Genome position (GRCh38, 1-based): chrX:53,254,798, C>T on the plus strand (G>A on the coding strand, the complement: IQSEC2 is on the minus strand). VCF-style: chrX-53254798-C-T. GRCh37 (hg19) VCF-style: chrX-53283980-C-T.
Other names: c.518G>A, p.Arg173His (NM_015075.2); short protein forms R378H, R173H.
Identifiers: ClinVar variation 211201 (VCV000211201.10), dbSNP rs797045626, ClinGen allele CA207587.

ClinVar aggregate classification (germline): Uncertain significance. Review status: criteria provided, multiple submitters, no conflicts (2 of 4 stars). 2 submissions from 2 submitters: Uncertain significance (2). Last evaluated 2026-03-01.

Submissions (2):

CeGaT Center for Human Genetics Tuebingen
Classification: Uncertain significance. Last evaluated: 2026-03-01. Review status: criteria provided, single submitter. Criteria: CeGaT Center For Human Genetics Tuebingen Variant Classification Criteria Version 2. Collection method: clinical testing. Allele origin: germline. Affected: yes. Observed: 1 variant allele.
Comment: IQSEC2: PM2, PP2

Genetic Services Laboratory, University of Chicago
Classification: Uncertain significance. Last evaluated: 2014-10-09. Review status: criteria provided, single submitter. Criteria: ACMG Guidelines, 2015. Collection method: clinical testing. Allele origin: germline.